The following is an entry in ClinVar:

ClinVar aggregate classification (germline): Likely pathogenic (1 of 4 stars; one submission).

Conditions:
Sjögren-Larsson syndrome (SLS). Also called: FALDH DEFICIENCY; FATTY ALCOHOL:NAD+ OXIDOREDUCTASE DEFICIENCY; FATTY ALDEHYDE DEHYDROGENASE DEFICIENCY; ICHTHYOSIS, SPASTIC NEUROLOGIC DISORDER, AND OLIGOPHRENIA. Identifiers: Orphanet 816, MedGen C0037231, MONDO:0010031, OMIM 270200.

Submission:

Natera, Inc.
Classification: Likely pathogenic for Sjögren-Larsson syndrome. Last evaluated: 2025-02-21. Review status: criteria provided, single submitter. Criteria: Natera Variant Classification Schema (03/2026). Collection method: clinical testing. Allele origin: germline.
Comment: The c.342del variant in ALDH3A2 is a frameshift variant predicted to shift the reading frame beginning at codon 115 and leads to a stop codon 8 codons downstream. This variant is expected to result in nonsense mediated decay, truncation, or a dysfunctional protein product. This variant is rare in the general population with a frequency below the threshold expected for the associated phenotype(s). Given the available evidence, this variant is classified as Likely Pathogenic.

NM_000382.3(ALDH3A2):c.342del (p.Phe115fs)

Gene: ALDH3A2 (aldehyde dehydrogenase 3 family member A2; plus strand). Cytogenetic location: 17p11.2.
Variant type: Deletion.
Coding change: c.342del on transcript NM_000382.3 (MANE Select); coding-DNA position 342, one base deleted (C; older notation c.342delC).
Protein change: p.Phe115fs; shifts the reading frame from phenylalanine 115.
Molecular consequence: frameshift variant. On other transcripts: 5 prime UTR variant (1).
Genome position (GRCh38, 1-based): chr17:19,651,735, C deleted; the last of 4 consecutive C bases (chr17:19,651,732-19,651,735); deleting any one gives the same sequence. VCF-style (leftmost placement, unchanged base first): chr17-19651731-AC-A. GRCh37 (hg19) VCF-style: chr17-19555044-AC-A.
Other names: c.342del, p.Phe115fs (NM_001031806.2, NM_001369136.1, NM_001369137.2 and 3 more transcripts); c.-347del (NM_001369148.2); short protein forms F115fs.
Identifiers: ClinVar variation 4069791 (VCV004069791.2).
Genomic context (GRCh38, chr17:19,651,731, plus strand): 5'-ATGAGGCCTATATTCAGCCACAGCCTCTGGGAGTGGTGCTGATAATCGGAGCTTGGAATT[AC>A]CCCTTCGTTCTCACCATTCAGCCACTGATAGGAGCCATCGCTGCAGGTCTGGTGCCACCT-3'